The following is an entry in ClinVar:

NM_001330700.2(TOP2B):c.3474A>T (p.Lys1158Asn)

Gene: TOP2B (DNA topoisomerase II beta; minus strand). Cytogenetic location: 3p24.2.
Variant type: single nucleotide variant.
Coding change: c.3474A>T on transcript NM_001330700.2 (MANE Select); coding-DNA position 3474, A replaced by T.
Protein change: p.Lys1158Asn; replaces lysine 1158 with asparagine.
Molecular consequence: missense variant.
Genome position (GRCh38, 1-based): chr3:25,615,464, T>A on the plus strand (A>T on the coding strand, the complement: TOP2B is on the minus strand). VCF-style: chr3-25615464-T-A. GRCh37 (hg19) VCF-style: chr3-25656955-T-A.
Other names: c.3459A>T, p.Lys1153Asn (NM_001068.3); short protein forms K1158N, K1153N.
Identifiers: ClinVar variation 2203910 (VCV002203910.3), dbSNP rs1212504028, ClinGen allele CA351895720.
Genomic context (GRCh38, chr3:25,615,464, plus strand): 5'-AACTATTTAACCCACAAAAGTTCATACTTTTGCATCTCTCTGTTTAATCAGTTCTTCAAC[T>A]TTTTCTTTAGTAAGAGACCACAGAGACATATTTAAAATATAATTAAAATCTGGGCCTGAA-3'
Protein context (NP_001317629.1, residues 1148-1168): NMSLWSLTKE[Lys1158Asn]VEELIKQRDA

ClinVar aggregate classification (germline): Uncertain significance. Review status: criteria provided, multiple submitters, no conflicts (2 of 4 stars). 2 submissions from 2 submitters: Uncertain significance (2). Last evaluated 2025-12-16.

Allele frequency attached by ClinVar (database versions not stated): TOPMed 0.00001.
gnomAD v4.1: 3 of 1,564,292 alleles (0.00019%); highest among the groups gnomAD compares: Admixed American, 0.0038%; no homozygotes.

Submissions (2):

Labcorp Genetics (formerly Invitae), Labcorp
Classification: Uncertain significance. Last evaluated: 2025-12-16. Review status: criteria provided, single submitter. Criteria: Invitae Variant Classification Sherloc (09022015). Collection method: clinical testing. Allele origin: germline.
Comment: This sequence change replaces lysine, which is basic and polar, with asparagine, which is neutral and polar, at codon 1153 of the TOP2B protein (p.Lys1153Asn). The frequency data for this variant in the population databases is considered unreliable, as metrics indicate poor data quality at this position in the gnomAD database. This variant has not been reported in the literature in individuals affected with TOP2B-related conditions. ClinVar contains an entry for this variant (Variation ID: 2203910). An algorithm developed to predict the effect of missense changes on protein structure and function (PolyPhen-2) suggests that this variant is likely to be disruptive. In summary, the available evidence is currently insufficient to determine the role of this variant in disease. Therefore, it has been classified as a Variant of Uncertain Significance.

Ambry Genetics
Classification: Uncertain significance. Last evaluated: 2021-07-20. Review status: criteria provided, single submitter. Criteria: Ambry Variant Classification Scheme 2023. Collection method: clinical testing. Allele origin: germline.